The following is an entry in ClinVar:

NM_001098668.4(SFTPA2):c.733A>G (p.Ile245Val)

Gene: SFTPA2 (surfactant protein A2; minus strand). Cytogenetic location: 10q22.3.
Variant type: single nucleotide variant.
Coding change: c.733A>G on transcript NM_001098668.4 (MANE Select); coding-DNA position 733, A replaced by G.
Protein change: p.Ile245Val; replaces isoleucine 245 with valine.
Molecular consequence: missense variant.
Genome position (GRCh38, 1-based): chr10:79,557,223, T>C on the plus strand (A>G on the coding strand, the complement: SFTPA2 is on the minus strand). VCF-style: chr10-79557223-T-C. GRCh37 (hg19) VCF-style: chr10-81316979-T-C.
Other names: c.733A>G, p.Ile245Val (NM_001320813.2); c.763A>G, p.Ile255Val (NM_001320814.1); c.733A>G (NM_001098668.3); short protein forms I245V, I255V.
Identifiers: ClinVar variation 2324613 (VCV002324613.3), dbSNP rs2492316047, ClinGen allele CA377352618.

ClinVar aggregate classification (germline): Uncertain significance. Review status: criteria provided, multiple submitters, no conflicts (2 of 4 stars). 2 submissions from 2 submitters: Uncertain significance (2). Last evaluated 2025-12-09.

Conditions:
SFTPA2-related disorder. Also called: SFTPA2-related condition.
Inborn genetic diseases. Identifiers: MedGen C0950123, MeSH D030342.

Allele frequency attached by ClinVar (database versions not stated): gnomAD exomes below 0.00001.
gnomAD v4.1: 2 of 1,614,160 alleles (0.00012%); highest among the groups gnomAD compares: Non-Finnish European, 0.00017%; no homozygotes.

Submissions (2):

PreventionGenetics, part of Exact Sciences
Classification: Uncertain significance for SFTPA2-related condition. Last evaluated: 2025-12-09. Review status: criteria provided, single submitter. Criteria: ACMG Guidelines, 2015. Collection method: clinical testing. Allele origin: germline.
Comment: The SFTPA2 c.733A>G variant is predicted to result in the amino acid substitution p.Ile245Val. To our knowledge, this variant has not been reported in the literature or in a large population database (gnomAD), indicating this variant is rare. At this time, the clinical significance of this variant is uncertain due to the absence of conclusive functional and genetic evidence.

Ambry Genetics
Classification: Uncertain significance for Inborn genetic diseases. Last evaluated: 2022-11-09. Review status: criteria provided, single submitter. Criteria: Ambry Variant Classification Scheme 2023. Collection method: clinical testing. Allele origin: germline.